The following is an entry in ClinVar:

NM_000260.4(MYO7A):c.2475C>T (p.Arg825=)

Gene: MYO7A (myosin VIIA; plus strand). Cytogenetic location: 11q13.5.
Variant type: single nucleotide variant.
Coding change: c.2475C>T on transcript NM_000260.4 (MANE Select); coding-DNA position 2475, C replaced by T.
Protein change: p.Arg825=; no amino-acid change (arginine 825 retained).
Molecular consequence: synonymous variant.
Genome position (GRCh38, 1-based): chr11:77,179,842, C>T. VCF-style: chr11-77179842-C-T. GRCh37 (hg19) VCF-style: chr11-76890888-C-T.
Other names: c.2475C>T, p.Arg825= (NM_001127180.2); c.2442C>T, p.Arg814= (NM_001369365.1).
Identifiers: ClinVar variation 788602 (VCV000788602.53), dbSNP rs782711428, ClinGen allele CA6197851.

ClinVar aggregate classification (germline): Conflicting classifications of pathogenicity. Review status: criteria provided, conflicting classifications (1 of 4 stars). 9 submissions from 7 submitters: Uncertain significance (3); Likely benign (5). 1 of the submissions does not count toward it. Last evaluated 2026-01-28.

Conditions:
MYO7A-related disorder. Also called: MYO7A-related disorders.
Usher syndrome type 1 (USH1). Also called: RETINITIS PIGMENTOSA AND CONGENITAL DEAFNESS. Identifiers: Orphanet 231169, Orphanet 886, MedGen C1568247, MONDO:0010168, OMIM 276900.
Usher syndrome type 1B (USH1B). Also called: Usher syndrome type IB. Identifiers: MedGen C1848638, MONDO:0700087.
Autosomal recessive nonsyndromic hearing loss 2. Also called: NEUROSENSORY NONSYNDROMIC RECESSIVE DEAFNESS 2; DEAFNESS, AUTOSOMAL RECESSIVE 2. Identifiers: Orphanet 90636, MedGen C1838701, MONDO:0010807, OMIM 600060.
Autosomal dominant nonsyndromic hearing loss 11. Identifiers: Orphanet 90635, MedGen C1832475, MONDO:0011032, OMIM 601317.

Allele frequency attached by ClinVar (database versions not stated): gnomAD exomes 0.00015 and 0.00031; TOPMed 0.00022; gnomAD 0.00011 and 0.00012; ExAC 0.00015.
gnomAD v4.1: 225 of 1,542,874 alleles (0.015%); highest among the groups gnomAD compares: Admixed American, 0.078%; no homozygotes.

Submissions (9):

Labcorp Genetics (formerly Invitae), Labcorp
Classification: Likely benign. Last evaluated: 2026-01-28. Review status: criteria provided, single submitter. Criteria: Invitae Variant Classification Sherloc (09022015). Collection method: clinical testing. Allele origin: germline.

PreventionGenetics, part of Exact Sciences
Classification: Likely benign for MYO7A-related condition. Last evaluated: 2025-07-09. Review status: criteria provided, single submitter. Criteria: ACMG Guidelines, 2015. Collection method: clinical testing. Allele origin: germline.
Comment: This variant is classified as likely benign based on ACMG/AMP sequence variant interpretation guidelines (Richards et al. 2015 PMID: 25741868, with internal and published modifications).

Blueprint Genetics
Classification: Likely benign. Last evaluated: 2024-04-18. Review status: criteria provided, single submitter. Criteria: ACMG Guidelines, 2015. Collection method: clinical testing. Allele origin: germline.

CeGaT Center for Human Genetics Tuebingen
Classification: Likely benign. Last evaluated: 2021-04-01. Review status: criteria provided, single submitter. Criteria: CeGaT Center For Human Genetics Tuebingen Variant Classification Criteria Version 2. Collection method: clinical testing. Allele origin: germline. Affected: yes. Observed: 1 variant allele.

GeneDx
Classification: Likely benign. Last evaluated: 2020-07-22. Review status: criteria provided, single submitter. Criteria: GeneDx Variant Classification Process June 2021. Collection method: clinical testing. Allele origin: germline. Affected: yes.

Illumina Laboratory Services, Illumina
Classification: Uncertain significance for Autosomal recessive nonsyndromic hearing loss 2. Last evaluated: 2018-01-12. Review status: criteria provided, single submitter. Criteria: ICSL Variant Classification Criteria 13 December 2019. Collection method: clinical testing. Allele origin: germline.

Illumina Laboratory Services, Illumina
Classification: Uncertain significance for Usher syndrome type 1. Last evaluated: 2018-01-12. Review status: criteria provided, single submitter. Criteria: ICSL Variant Classification Criteria 13 December 2019. Collection method: clinical testing. Allele origin: germline.

Illumina Laboratory Services, Illumina
Classification: Uncertain significance for Autosomal dominant nonsyndromic hearing loss 11. Last evaluated: 2018-01-12. Review status: criteria provided, single submitter. Criteria: ICSL Variant Classification Criteria 13 December 2019. Collection method: clinical testing. Allele origin: germline.

Natera, Inc.
Classification: Uncertain significance for Usher syndrome type 1B. Last evaluated: 2020-04-16. Review status: no assertion criteria provided. Collection method: clinical testing. Allele origin: germline. Not counted in ClinVar's aggregate classification.